The following is an entry in ClinVar:

ClinVar aggregate classification (germline): Conflicting classifications of pathogenicity. Review status: criteria provided, conflicting classifications (1 of 4 stars). 2 submissions from 2 submitters: Uncertain significance (1); Likely benign (1). Last evaluated 2025-12-26.

Conditions:
ITPR1-related disorder. Also called: ITPR1-related condition.

Allele frequency attached by ClinVar (database versions not stated): ExAC 0.00003; gnomAD exomes 0.00004 and 0.00007; TOPMed 0.00005; gnomAD 0.00006 and 0.00007; ESP Exome Variant Server 0.00016.
gnomAD v4.1: 67 of 1,613,736 alleles (0.0042%); highest among the groups gnomAD compares: Admixed American, 0.028%; no homozygotes.

Submissions (2):

Labcorp Genetics (formerly Invitae), Labcorp
Classification: Likely benign. Last evaluated: 2025-12-26. Review status: criteria provided, single submitter. Criteria: Invitae Variant Classification Sherloc (09022015). Collection method: clinical testing. Allele origin: germline.

PreventionGenetics, part of Exact Sciences
Classification: Uncertain significance for ITPR1-related condition. Last evaluated: 2023-03-13. Review status: criteria provided, single submitter. Criteria: ACMG Guidelines, 2015. Collection method: clinical testing. Allele origin: germline.
Comment: The ITPR1 c.4500C>T variant is not predicted to result in an amino acid change (p.=). This variant is predicted to create a cryptic splice donor site based on available splicing prediction programs (Alamut Visual Plus v1.6.1)To our knowledge, this variant has not been reported in the literature. This variant is reported in 0.035% of alleles in individuals of Latino descent in gnomAD. At this time, the clinical significance of this variant is uncertain due to the absence of conclusive functional and genetic evidence.

NM_001378452.1(ITPR1):c.4572C>T (p.Gly1524=)

Gene: ITPR1 (inositol 1,4,5-trisphosphate receptor type 1; plus strand). Cytogenetic location: 3p26.1.
Variant type: single nucleotide variant.
Coding change: c.4572C>T on transcript NM_001378452.1 (MANE Select); coding-DNA position 4572, C replaced by T.
Protein change: p.Gly1524=; no amino-acid change (glycine 1524 retained).
Molecular consequence: synonymous variant.
Genome position (GRCh38, 1-based): chr3:4,702,865, C>T. VCF-style: chr3-4702865-C-T. GRCh37 (hg19) VCF-style: chr3-4744549-C-T.
Other names: c.4500C>T (NM_002222.5); c.4545C>T, p.Gly1515= (NM_001099952.4); c.4527C>T, p.Gly1509= (NM_001168272.2); c.4500C>T, p.Gly1500= (NM_002222.7).
Identifiers: ClinVar variation 1403876 (VCV001403876.8), dbSNP rs200605212, ClinGen allele CA2232050.